The following is an entry in ClinVar:

NM_130837.3(OPA1):c.1861A>G (p.Ser621Gly)

Genes: OPA1 (OPA1 mitochondrial dynamin like GTPase; plus strand), LOC126806913 (BRD4-independent group 4 enhancer GRCh37_chr3:193364377-193365576; plus strand). Cytogenetic location: 3q29.
Variant type: single nucleotide variant.
Coding change: c.1861A>G on transcript NM_130837.3 (MANE Select); coding-DNA position 1861, A replaced by G.
Protein change: p.Ser621Gly; replaces serine 621 with glycine.
Molecular consequence: missense variant.
Genome position (GRCh38, 1-based): chr3:193,647,171, A>G. VCF-style: chr3-193647171-A-G. GRCh37 (hg19) VCF-style: chr3-193364960-A-G.
Other names: c.1588A>G, p.Ser530Gly (NM_130831.3); c.1642A>G, p.Ser548Gly (NM_130832.3); c.1699A>G, p.Ser567Gly (NM_130833.3); c.1750A>G, p.Ser584Gly (NM_130834.3); c.1753A>G, p.Ser585Gly (NM_130835.3); c.1807A>G, p.Ser603Gly (NM_130836.3); c.1327A>G, p.Ser443Gly (NM_001354663.2); c.1324A>G, p.Ser442Gly (NM_001354664.2); and 1 more; short protein forms S585G, S621G, S443G, S548G, S567G, S584G, S603G, S530G.
Identifiers: ClinVar variation 4965629 (VCV004965629.2).

ClinVar aggregate classification (germline): Uncertain significance. Review status: criteria provided, multiple submitters, no conflicts (2 of 4 stars). 2 submissions from 2 submitters: Uncertain significance (2). Last evaluated 2026-02-09.

Submissions (2):

GeneDx
Classification: Uncertain significance. Last evaluated: 2026-02-09. Review status: criteria provided, single submitter. Criteria: GeneDx Variant Classification Process June 2021. Collection method: clinical testing. Allele origin: germline.
Comment: Not observed at significant frequency in large population cohorts (gnomAD); In silico analysis suggests that this missense variant does not alter protein structure/function; Has not been previously published as pathogenic or benign to our knowledge

Blueprint Genetics
Classification: Uncertain significance. Last evaluated: 2020-02-03. Review status: criteria provided, single submitter. Criteria: ACMG Guidelines, 2015. Collection method: clinical testing. Allele origin: germline.